The following is an entry in ClinVar:

NM_001792.5(CDH2):c.1769C>T (p.Thr590Met)

Gene: CDH2 (cadherin 2; minus strand). Cytogenetic location: 18q12.1.
Variant type: single nucleotide variant.
Coding change: c.1769C>T on transcript NM_001792.5 (MANE Select); coding-DNA position 1769, C replaced by T.
Protein change: p.Thr590Met; replaces threonine 590 with methionine.
Molecular consequence: missense variant.
Genome position (GRCh38, 1-based): chr18:27,985,734, G>A on the plus strand (C>T on the coding strand, the complement: CDH2 is on the minus strand). VCF-style: chr18-27985734-G-A. GRCh37 (hg19) VCF-style: chr18-25565698-G-A.
Other names: c.1676C>T, p.Thr559Met (NM_001308176.2); short protein forms T559M, T590M.
Identifiers: ClinVar variation 1496713 (VCV001496713.11), dbSNP rs201191002, ClinGen allele CA8923298.

ClinVar aggregate classification (germline): Uncertain significance. Review status: criteria provided, multiple submitters, no conflicts (2 of 4 stars). 2 submissions from 2 submitters: Uncertain significance (2). Last evaluated 2025-07-13.

Conditions:
Inborn genetic diseases. Identifiers: MedGen C0950123, MeSH D030342.

Allele frequency attached by ClinVar (database versions not stated): ExAC 0.00001; TOPMed 0.00001.
gnomAD v4.1: 18 of 1,610,332 alleles (0.0011%); highest among the groups gnomAD compares: East Asian, 0.027%; no homozygotes.

Submissions (2):

Ambry Genetics
Classification: Uncertain significance for Inborn genetic diseases. Last evaluated: 2025-07-13. Review status: criteria provided, single submitter. Criteria: Ambry Variant Classification Scheme 2023. Collection method: clinical testing. Allele origin: germline.
Comment: The p.T590M variant (also known as c.1769C>T), located in coding exon 12 of the CDH2 gene, results from a C to T substitution at nucleotide position 1769. The threonine at codon 590 is replaced by methionine, an amino acid with similar properties. This amino acid position is conserved. In addition, this alteration is predicted to be deleterious by in silico analysis. Since supporting evidence is limited at this time, the clinical significance of this alteration remains unclear.

Labcorp Genetics (formerly Invitae), Labcorp
Classification: Uncertain significance. Last evaluated: 2024-10-15. Review status: criteria provided, single submitter. Criteria: Invitae Variant Classification Sherloc (09022015). Collection method: clinical testing. Allele origin: germline.
Comment: This sequence change replaces threonine, which is neutral and polar, with methionine, which is neutral and non-polar, at codon 590 of the CDH2 protein (p.Thr590Met). This variant is present in population databases (rs201191002, gnomAD 0.007%). This variant has not been reported in the literature in individuals affected with CDH2-related conditions. ClinVar contains an entry for this variant (Variation ID: 1496713). An algorithm developed to predict the effect of missense changes on protein structure and function (PolyPhen-2) suggests that this variant is likely to be disruptive. In summary, the available evidence is currently insufficient to determine the role of this variant in disease. Therefore, it has been classified as a Variant of Uncertain Significance.